The following is an entry in ClinVar:

ClinVar aggregate classification (germline): Uncertain significance (1 of 4 stars; one submission).

Conditions:
Autosomal dominant Parkinson disease 8. Also called: LRRK2-Related Parkinson Disease; Parkinson disease 8; Parkinson disease 8, susceptibility to. Identifiers: Orphanet 411602, MedGen C1846862, MONDO:0011764, OMIM 607060.

Submission:

Labcorp Genetics (formerly Invitae), Labcorp
Classification: Uncertain significance for Autosomal dominant Parkinson disease 8. Last evaluated: 2022-03-21. Review status: criteria provided, single submitter. Criteria: Invitae Variant Classification Sherloc (09022015). Collection method: clinical testing. Allele origin: germline.
Comment: In summary, the available evidence is currently insufficient to determine the role of this variant in disease. Therefore, it has been classified as a Variant of Uncertain Significance. Algorithms developed to predict the effect of missense changes on protein structure and function (SIFT, PolyPhen-2, Align-GVGD) all suggest that this variant is likely to be tolerated. This variant has not been reported in the literature in individuals affected with LRRK2-related conditions. This variant is not present in population databases (gnomAD no frequency). This sequence change replaces alanine, which is neutral and non-polar, with glycine, which is neutral and non-polar, at codon 1897 of the LRRK2 protein (p.Ala1897Gly).

NM_198578.4(LRRK2):c.5690C>G (p.Ala1897Gly)

Gene: LRRK2 (leucine rich repeat kinase 2; plus strand). Cytogenetic location: 12q12.
Variant type: single nucleotide variant.
Coding change: c.5690C>G on transcript NM_198578.4 (MANE Select); coding-DNA position 5690, C replaced by G.
Protein change: p.Ala1897Gly; replaces alanine 1897 with glycine.
Molecular consequence: missense variant.
Genome position (GRCh38, 1-based): chr12:40,328,393, C>G. VCF-style: chr12-40328393-C-G. GRCh37 (hg19) VCF-style: chr12-40722195-C-G.
Other names: short protein forms A1897G.
Identifiers: ClinVar variation 2115475 (VCV002115475.4), dbSNP rs2499907425, ClinGen allele CA384399483.